The following is an entry in ClinVar:

ClinVar aggregate classification (germline): Likely benign (1 of 4 stars; one submission).

Conditions:
MYO5B-related disorder. Also called: MYO5B-related condition.

Submission:

PreventionGenetics, part of Exact Sciences
Classification: Likely benign for MYO5B-related condition. Last evaluated: 2025-02-18. Review status: criteria provided, single submitter. Criteria: ACMG Guidelines, 2015. Collection method: clinical testing. Allele origin: germline.
Comment: This variant is classified as likely benign based on ACMG/AMP sequence variant interpretation guidelines (Richards et al. 2015 PMID: 25741868, with internal and published modifications).

NM_001080467.3(MYO5B):c.3639G>A (p.Lys1213=)

Gene: MYO5B (myosin VB; minus strand). Cytogenetic location: 18q21.1.
Variant type: single nucleotide variant.
Coding change: c.3639G>A on transcript NM_001080467.3 (MANE Select); coding-DNA position 3639, G replaced by A.
Protein change: p.Lys1213=; no amino-acid change (lysine 1213 retained).
Molecular consequence: synonymous variant.
Genome position (GRCh38, 1-based): chr18:49,864,345, C>T on the plus strand (G>A on the coding strand, the complement: MYO5B is on the minus strand). VCF-style: chr18-49864345-C-T. GRCh37 (hg19) VCF-style: chr18-47390715-C-T.
Identifiers: ClinVar variation 5001509 (VCV005001509.1).